The following is an entry in ClinVar:

ClinVar aggregate classification (germline): Uncertain significance (1 of 4 stars; one submission).

Conditions:
Inborn genetic diseases. Identifiers: MedGen C0950123, MeSH D030342.

Submission:

Ambry Genetics
Classification: Uncertain significance for Inborn genetic diseases. Last evaluated: 2025-06-12. Review status: criteria provided, single submitter. Criteria: Ambry Variant Classification Scheme 2023. Collection method: clinical testing. Allele origin: germline.
Comment: The p.N17K variant (also known as c.51C>A), located in coding exon 1 of the G6PC3 gene, results from a C to A substitution at nucleotide position 51. The asparagine at codon 17 is replaced by lysine, an amino acid with similar properties. This amino acid position is conserved. In addition, this alteration is predicted to be tolerated by in silico analysis. Based on the available evidence, the clinical significance of this variant remains unclear.

NM_138387.4(G6PC3):c.51C>A (p.Asn17Lys)

Gene: G6PC3 (glucose-6-phosphatase catalytic subunit 3; plus strand). Cytogenetic location: 17q21.31.
Variant type: single nucleotide variant.
Coding change: c.51C>A on transcript NM_138387.4 (MANE Select); coding-DNA position 51, C replaced by A.
Protein change: p.Asn17Lys; replaces asparagine 17 with lysine.
Molecular consequence: missense variant. On other transcripts: 5 prime UTR variant (3), intron variant (1).
Genome position (GRCh38, 1-based): chr17:44,071,016, C>A. VCF-style: chr17-44071016-C-A. GRCh37 (hg19) VCF-style: chr17-42148384-C-A.
Other names: c.51C>A, p.Asn17Lys (NM_001319945.2); c.-354C>A (NM_001384165.1); c.-489C>A (NM_001384166.1); c.-479C>A (NM_001384167.1); c.-312+302C>A (NM_001384168.1); short protein forms N17K.
Identifiers: ClinVar variation 4027625 (VCV004027625.1).